The following is an entry in ClinVar:

NM_153033.5(KCTD7):c.*3612G>A

Gene: KCTD7 (potassium channel tetramerization domain containing 7; plus strand). Cytogenetic location: 7q11.21.
Variant type: single nucleotide variant.
Coding change: c.*3612G>A on transcript NM_153033.5 (MANE Select); 3612 bases downstream of the stop codon, G replaced by A.
Molecular consequence: 3 prime UTR variant.
Genome position (GRCh38, 1-based): chr7:66,642,844, G>A. VCF-style: chr7-66642844-G-A. GRCh37 (hg19) VCF-style: chr7-66107831-G-A.
Other names: c.*2450G>A (NM_001167961.2).
Identifiers: ClinVar variation 909114 (VCV000909114.4), dbSNP rs35633983, ClinGen allele CA160220652.

ClinVar aggregate classification (germline): Likely benign (1 of 4 stars; one submission).

Conditions:
Progressive myoclonic epilepsy type 3. Also called: EPILEPSY, PROGRESSIVE MYOCLONIC, 3, WITH OR WITHOUT INTRACELLULAR INCLUSIONS; CEROID LIPOFUSCINOSIS, NEURONAL, 14; KCTD7-Related Progressive Myoclonic Epilepsy; EPILEPSY, PROGRESSIVE MYOCLONIC, 3, WITHOUT INTRACELLULAR INCLUSIONS. Identifiers: Orphanet 263516, MedGen C2673257, MONDO:0012721, OMIM 611726.

Allele frequency attached by ClinVar (database versions not stated): 1000 Genomes Project 0.00280; gnomAD 0.00301 and 0.00306; 1000 Genomes Project 30x 0.00328; TOPMed 0.00353.
gnomAD v4.1: 4,232 of 985,388 alleles (0.43%); highest among the groups gnomAD compares: Admixed American, 0.6%; 11 homozygotes.

Submission:

Illumina Laboratory Services, Illumina
Classification: Likely benign for Progressive myoclonic epilepsy type 3. Last evaluated: 2018-01-12. Review status: criteria provided, single submitter. Criteria: ICSL Variant Classification Criteria 13 December 2019. Collection method: clinical testing. Allele origin: germline.
Comment: This variant was observed in the ICSL laboratory as part of a predisposition screen in an ostensibly healthy population. It had not been previously curated by ICSL or reported in the Human Gene Mutation Database (HGMD: prior to June 1st, 2018), and was therefore a candidate for classification through an automated scoring system. Utilizing variant allele frequency, disease prevalence and penetrance estimates, and inheritance mode, an automated score was calculated to assess if this variant is too frequent to cause the disease. Based on the score and internal cut-off values, a variant classified as likely benign is not then subjected to further curation. The score for this variant resulted in a classification of likely benign for this disease.